The following is an entry in ClinVar:

ClinVar aggregate classification (germline): Likely pathogenic (1 of 4 stars; one submission).

Submission:

Labcorp Genetics (formerly Invitae), Labcorp
Classification: Likely pathogenic. Last evaluated: 2023-09-21. Review status: criteria provided, single submitter. Criteria: Invitae Variant Classification Sherloc (09022015). Collection method: clinical testing. Allele origin: germline.
Comment: In summary, the currently available evidence indicates that the variant is pathogenic, but additional data are needed to prove that conclusively. Therefore, this variant has been classified as Likely Pathogenic. Algorithms developed to predict the effect of sequence changes on RNA splicing suggest that this variant may disrupt the consensus splice site. This variant has not been reported in the literature in individuals affected with TSFM-related conditions. This variant is not present in population databases (gnomAD no frequency). This sequence change affects a donor splice site in intron 4 of the TSFM gene. It is expected to disrupt RNA splicing. Variants that disrupt the donor or acceptor splice site typically lead to a loss of protein function (PMID: 16199547), and loss-of-function variants in TSFM are known to be pathogenic (PMID: 17033963, 20435138, 25037205, 27677415).

Literature cited by the submitters: PubMed 16199547; PubMed 17033963; PubMed 20435138; PubMed 25037205; PubMed 27677415.

NM_005726.6(TSFM):c.483+1G>A

Gene: TSFM (Ts translation elongation factor, mitochondrial; plus strand). Cytogenetic location: 12q14.1.
Variant type: single nucleotide variant.
Coding change: c.483+1G>A on transcript NM_005726.6 (MANE Select); the canonical splice donor site of the intron after coding-DNA position 483, G replaced by A.
Molecular consequence: splice donor variant.
Genome position (GRCh38, 1-based): chr12:57,787,163, G>A. VCF-style: chr12-57787163-G-A. GRCh37 (hg19) VCF-style: chr12-58180946-G-A.
Other names: c.483+1G>A (NM_001172697.2, NM_001172696.2, NM_001172695.2).
Identifiers: ClinVar variation 2762371 (VCV002762371.3), dbSNP rs1465439141, ClinGen allele CA385527509.
Genomic context (GRCh38, chr12:57,787,163, plus strand): 5'-GCCCTTGGAACCATGATGCATTGTCAGACCCTAAAGGATCAACCCTCTGCATACAGTAAA[G>A]TAAGTTTGGGATTTGTCTCCAGTGTGCTGAATTTGCTGTCCTCATTGGGTCTTTTGCTGT-3'